The following is an entry in ClinVar:

NM_000088.4(COL1A1):c.1107_1108delinsAG (p.Arg370Gly)

Gene: COL1A1 (collagen type I alpha 1 chain; minus strand). Cytogenetic location: 17q21.33.
Variant type: Indel.
Coding change: c.1107_1108delinsAG on transcript NM_000088.4 (MANE Select); coding-DNA positions 1107 to 1108, GC replaced by AG.
Protein change: p.Arg370Gly; replaces arginine 370 with glycine.
Molecular consequence: missense variant.
Genome position (GRCh38, 1-based): chr17:50,195,614-50,195,615, GC replaced by CT on the plus strand (GC replaced by AG on the coding strand, the reverse complement: COL1A1 is on the minus strand). VCF-style: chr17-50195614-GC-CT. GRCh37 (hg19) VCF-style: chr17-48272975-GC-CT.
Other names: short protein forms R370G.
Identifiers: ClinVar variation 1040323 (VCV001040323.7), dbSNP rs1907513580, ClinGen allele CA2263918828.

ClinVar aggregate classification (germline): Uncertain significance (1 of 4 stars; one submission).

Conditions:
Osteogenesis imperfecta type I (OI1). Also called: Lobstein's Disease; OSTEOGENESIS IMPERFECTA TARDA; OSTEOGENESIS IMPERFECTA WITH BLUE SCLERAE; Lobstein disease; Osteogenesis imperfecta type 1; Classic Non-deforming Osteogenesis Imperfecta with Blue Sclerae. Identifiers: Orphanet 216796, Orphanet 666, MedGen C0023931, MONDO:0008146, OMIM 166200. Disease mechanism: loss of function.

Submission:

Labcorp Genetics (formerly Invitae), Labcorp
Classification: Uncertain significance for Osteogenesis imperfecta type I. Last evaluated: 2020-11-11. Review status: criteria provided, single submitter. Criteria: Invitae Variant Classification Sherloc (09022015). Collection method: clinical testing. Allele origin: germline.
Comment: This variant has not been reported in the literature in individuals with COL1A1-related conditions. This sequence change replaces arginine with glycine at codon 370 of the COL1A1 protein (p.Arg370Gly). The arginine residue is highly conserved and there is a moderate physicochemical difference between arginine and glycine. The frequency data for this variant in the population databases is not available, as this variant may be reported as separate entries in the ExAC database. Experimental studies and prediction algorithms are not available or were not evaluated, and the functional significance of this variant is currently unknown. In summary, the available evidence is currently insufficient to determine the role of this variant in disease. Therefore, it has been classified as a Variant of Uncertain Significance.